The following is an entry in ClinVar:

NM_001102564.3(IFT43):c.296-5699G>T

Gene: IFT43 (intraflagellar transport 43; plus strand). Cytogenetic location: 14q24.3.
Variant type: single nucleotide variant.
Coding change: c.296-5699G>T on transcript NM_001102564.3 (MANE Select); 5699 bases into the intron before coding-DNA position 296, G replaced by T.
Molecular consequence: intron variant. On other transcripts: splice acceptor variant (1).
Genome position (GRCh38, 1-based): chr14:76,076,596, G>T. VCF-style: chr14-76076596-G-T. GRCh37 (hg19) VCF-style: chr14-76542939-G-T.
Other names: c.216-1G>T (NM_052873.3).
Identifiers: ClinVar variation 2999696 (VCV002999696.3), dbSNP rs1009557453, ClinGen allele CA263705506.

ClinVar aggregate classification (germline): Likely pathogenic (1 of 4 stars; one submission).

Allele frequency attached by ClinVar (database versions not stated): gnomAD exomes 0.00001; gnomAD 0.00003; TOPMed 0.00003.
gnomAD v4.1: 24 of 1,613,982 alleles (0.0015%); highest among the groups gnomAD compares: Non-Finnish European, 0.0019%; no homozygotes.

Submission:

Labcorp Genetics (formerly Invitae), Labcorp
Classification: Likely pathogenic. Last evaluated: 2024-09-05. Review status: criteria provided, single submitter. Criteria: Invitae Variant Classification Sherloc (09022015). Collection method: clinical testing. Allele origin: germline.
Comment: This sequence change affects an acceptor splice site in intron 3 of the IFT43 gene. It is expected to disrupt RNA splicing. Variants that disrupt the donor or acceptor splice site typically lead to a loss of protein function (PMID: 16199547), and loss-of-function variants in IFT43 are known to be pathogenic (PMID: 21378380, 28400947). This variant is present in population databases (no rsID available, gnomAD 0.01%). This variant has not been reported in the literature in individuals affected with IFT43-related conditions. Algorithms developed to predict the effect of sequence changes on RNA splicing suggest that this variant may disrupt the consensus splice site. In summary, the currently available evidence indicates that the variant is pathogenic, but additional data are needed to prove that conclusively. Therefore, this variant has been classified as Likely Pathogenic.

Literature cited by the submitters: PubMed 16199547; PubMed 21378380; PubMed 28400947.